The following is an entry in ClinVar:

ClinVar aggregate classification (germline): Likely benign. Review status: criteria provided, multiple submitters, no conflicts (2 of 4 stars). 3 submissions from 3 submitters: Likely benign (3). Last evaluated 2023-12-01.

Allele frequency attached by ClinVar (database versions not stated): 1000 Genomes Project 0.00200; 1000 Genomes Project 30x 0.00203; ExAC 0.00424; gnomAD exomes 0.00426 and 0.00656; ESP Exome Variant Server 0.00492; TOPMed 0.00536.
gnomAD v4.1: 9,925 of 1,547,718 alleles (0.64%); highest among the groups gnomAD compares: Non-Finnish European, 0.78%; 40 homozygotes.

Submissions (3):

CeGaT Center for Human Genetics Tuebingen
Classification: Likely benign. Last evaluated: 2023-12-01. Review status: criteria provided, single submitter. Criteria: CeGaT Center For Human Genetics Tuebingen Variant Classification Criteria Version 2. Collection method: clinical testing. Allele origin: germline. Affected: yes. Observed: 4 variant alleles.
Comment: CMYA5: BS2

Labcorp Genetics (formerly Invitae), Labcorp
Classification: Likely benign. Last evaluated: 2019-12-31. Review status: criteria provided, single submitter. Criteria: Invitae Variant Classification Sherloc (09022015). Collection method: clinical testing. Allele origin: germline.

Breakthrough Genomics
Classification: Likely benign. Review status: criteria provided, single submitter. Criteria: ACMG Guidelines, 2015. Collection method: not provided. Allele origin: germline. Inheritance: Unknown mechanism. Affected: yes.

NM_153610.5(CMYA5):c.159C>A (p.Asp53Glu)

Gene: CMYA5 (cardiomyopathy associated 5; plus strand). Cytogenetic location: 5q14.1.
Variant type: single nucleotide variant.
Coding change: c.159C>A on transcript NM_153610.5 (MANE Select); coding-DNA position 159, C replaced by A.
Protein change: p.Asp53Glu; replaces aspartic acid 53 with glutamic acid.
Molecular consequence: missense variant.
Genome position (GRCh38, 1-based): chr5:79,728,924, C>A. VCF-style: chr5-79728924-C-A. GRCh37 (hg19) VCF-style: chr5-79024747-C-A.
Other names: short protein forms D53E.
Identifiers: ClinVar variation 778322 (VCV000778322.29), dbSNP rs189499447, ClinGen allele CA3321132.